The following is an entry in ClinVar:

NM_001371623.1(TCOF1):c.1802C>A (p.Ala601Asp)

Gene: TCOF1 (treacle ribosome biogenesis factor 1; plus strand). Cytogenetic location: 5q32.
Variant type: single nucleotide variant.
Coding change: c.1802C>A on transcript NM_001371623.1 (MANE Select); coding-DNA position 1802, C replaced by A.
Protein change: p.Ala601Asp; replaces alanine 601 with aspartic acid.
Molecular consequence: missense variant.
Genome position (GRCh38, 1-based): chr5:150,375,818, C>A. VCF-style: chr5-150375818-C-A. GRCh37 (hg19) VCF-style: chr5-149755381-C-A.
Other names: c.1571C>A, p.Ala524Asp (NM_000356.4, NM_001135245.2); c.1802C>A, p.Ala601Asp (NM_001008657.3, NM_001135243.2, NM_001135244.2 and 1 more transcripts); short protein forms A524D, A601D.
Identifiers: ClinVar variation 3390665 (VCV003390665.1).

ClinVar aggregate classification (germline): Uncertain significance (1 of 4 stars; one submission).

Submission:

GeneDx
Classification: Uncertain significance. Last evaluated: 2024-06-02. Review status: criteria provided, single submitter. Criteria: GeneDx Variant Classification Process June 2021. Collection method: clinical testing. Allele origin: germline. Affected: yes.
Comment: Not observed at significant frequency in large population cohorts (gnomAD); In silico analysis supports that this missense variant has a deleterious effect on protein structure/function; Has not been previously published as pathogenic or benign to our knowledge